The following is an entry in ClinVar:

NM_000554.6(CRX):c.512del (p.Leu171fs)

Gene: CRX (cone-rod homeobox; plus strand). Cytogenetic location: 19q13.33.
Variant type: Deletion.
Coding change: c.512del on transcript NM_000554.6 (MANE Select); coding-DNA position 512, one base deleted (T; older notation c.512delT).
Protein change: p.Leu171fs; shifts the reading frame from leucine 171.
Molecular consequence: frameshift variant.
Genome position (GRCh38, 1-based): chr19:47,839,579, T deleted; the last of 3 consecutive T bases (chr19:47,839,577-47,839,579); deleting any one gives the same sequence. VCF-style (leftmost placement, unchanged base first): chr19-47839576-CT-C. GRCh37 (hg19) VCF-style: chr19-48342833-CT-C.
Other names: short protein forms L171fs.
Identifiers: ClinVar variation 973899 (VCV000973899.9), dbSNP rs1968166909, ClinGen allele CA1139666510.

ClinVar aggregate classification (germline): Pathogenic. Review status: criteria provided, single submitter (1 of 4 stars). 2 submissions from 2 submitters: Pathogenic (1). 1 of the submissions does not count toward it. Last evaluated 2022-06-27.

Conditions:
Cone-rod dystrophy 2 (CORD2). Also called: CONE-ROD RETINAL DYSTROPHY; Cone-rod retinal dystrophy 2. Identifiers: Orphanet 1872, MedGen C3489532, MONDO:0007362, OMIM 120970.
Leber congenital amaurosis 7 (LCA7). Identifiers: Orphanet 65, MedGen C3151192, MONDO:0013449, OMIM 613829.

Submissions (2):

Labcorp Genetics (formerly Invitae), Labcorp
Classification: Pathogenic for Cone-rod dystrophy 2; Leber congenital amaurosis 7. Last evaluated: 2022-06-27. Review status: criteria provided, single submitter. Criteria: Invitae Variant Classification Sherloc (09022015). Collection method: clinical testing. Allele origin: germline.
Comment: For these reasons, this variant has been classified as Pathogenic. ClinVar contains an entry for this variant (Variation ID: 973899). This variant is also known as nt510del. This premature translational stop signal has been observed in individual(s) with inherited retinal dystrophy (PMID: 12843339; Invitae). In at least one individual the variant was observed to be de novo. It has also been observed to segregate with disease in related individuals. This variant is not present in population databases (gnomAD no frequency). This sequence change creates a premature translational stop signal (p.Leu171Cysfs*16) in the CRX gene. While this is not anticipated to result in nonsense mediated decay, it is expected to disrupt the last 129 amino acid(s) of the CRX protein.

Laboratory of Genetics in Ophthalmology, Institut Imagine
Classification: Pathogenic for Leber congenital amaurosis 7. Review status: no assertion criteria provided. Collection method: research. Allele origin: de novo. Affected: yes. Observed: 1 variant allele. Not counted in ClinVar's aggregate classification.

Literature cited by the submitters: PubMed 12843339 (cited by Labcorp Genetics (formerly Invitae), Labcorp and Laboratory of Genetics in Ophthalmology, Institut Imagine).